The following is an entry in ClinVar:

ClinVar aggregate classification (germline): Pathogenic (1 of 4 stars; one submission).

Submission:

Labcorp Genetics (formerly Invitae), Labcorp
Classification: Pathogenic. Last evaluated: 2022-12-12. Review status: criteria provided, single submitter. Criteria: Invitae Variant Classification Sherloc (09022015). Collection method: clinical testing. Allele origin: germline.
Comment: This variant is not present in population databases (gnomAD no frequency). For these reasons, this variant has been classified as Pathogenic. This variant has not been reported in the literature in individuals affected with FAT4-related conditions. This sequence change creates a premature translational stop signal (p.Gly3445*) in the FAT4 gene. It is expected to result in an absent or disrupted protein product. Loss-of-function variants in FAT4 are known to be pathogenic (PMID: 24056717, 24913602).

Literature cited by the submitters: PubMed 24056717; PubMed 24913602.

NM_001291303.3(FAT4):c.10339G>T (p.Gly3447Ter)

Gene: FAT4 (FAT atypical cadherin 4; plus strand). Cytogenetic location: 4q28.1.
Variant type: single nucleotide variant.
Coding change: c.10339G>T on transcript NM_001291303.3 (MANE Select); coding-DNA position 10339, G replaced by T.
Protein change: p.Gly3447Ter; replaces glycine 3447 with a stop codon.
Molecular consequence: nonsense.
Genome position (GRCh38, 1-based): chr4:125,451,349, G>T. VCF-style: chr4-125451349-G-T. GRCh37 (hg19) VCF-style: chr4-126372504-G-T.
Other names: c.10339G>T, p.Gly3447Ter (NM_001291285.3); c.10333G>T, p.Gly3445Ter (NM_024582.6); short protein forms G3445*, G3447*.
Identifiers: ClinVar variation 2813871 (VCV002813871.3), dbSNP rs751776479, ClinGen allele CA358158251.